The following is an entry in ClinVar:

NM_001371928.1(AHDC1):c.1446C>T (p.Pro482=)

Gene: AHDC1 (AT-hook DNA binding motif containing 1; minus strand). Cytogenetic location: 1p36.11.
Variant type: single nucleotide variant.
Coding change: c.1446C>T on transcript NM_001371928.1 (MANE Select); coding-DNA position 1446, C replaced by T.
Protein change: p.Pro482=; no amino-acid change (proline 482 retained).
Molecular consequence: synonymous variant.
Genome position (GRCh38, 1-based): chr1:27,550,670, G>A on the plus strand (C>T on the coding strand, the complement: AHDC1 is on the minus strand). VCF-style: chr1-27550670-G-A. GRCh37 (hg19) VCF-style: chr1-27877181-G-A.
Other names: c.1446C>T, p.Pro482= (NM_001029882.3).
Identifiers: ClinVar variation 1337116 (VCV001337116.11), dbSNP rs138527675, ClinGen allele CA715942.

ClinVar aggregate classification (germline): Benign/Likely benign. Review status: criteria provided, multiple submitters, no conflicts (2 of 4 stars). 4 submissions from 4 submitters: Benign (1); Likely benign (2). 1 of the submissions does not count toward it. Last evaluated 2025-10-01.

Conditions:
AHDC1-related disorder. Also called: AHDC1-related condition.

Allele frequency attached by ClinVar (database versions not stated): ESP Exome Variant Server 0.00008; ExAC 0.00012; TOPMed 0.00014; gnomAD 0.00015 and 0.00016; gnomAD exomes 0.00017 and 0.00018; 1000 Genomes Project 0.00020; 1000 Genomes Project 30x 0.00031.
gnomAD v4.1: 288 of 1,613,114 alleles (0.018%); highest among the groups gnomAD compares: Admixed American, 0.042%; no homozygotes.

Submissions (4):

Labcorp Genetics (formerly Invitae), Labcorp
Classification: Likely benign. Last evaluated: 2025-10-01. Review status: criteria provided, single submitter. Criteria: Invitae Variant Classification Sherloc (09022015). Collection method: clinical testing. Allele origin: germline.

Blueprint Genetics
Classification: Likely benign. Last evaluated: 2023-04-26. Review status: criteria provided, single submitter. Criteria: ACMG Guidelines, 2015. Collection method: clinical testing. Allele origin: germline.

Genetic Services Laboratory, University of Chicago
Classification: Benign. Last evaluated: 2019-04-15. Review status: criteria provided, single submitter. Criteria: ACMG Guidelines, 2015. Collection method: clinical testing. Allele origin: germline. Affected: no.

PreventionGenetics, part of Exact Sciences
Classification: Likely benign for AHDC1-related condition. Last evaluated: 2021-01-13. Review status: no assertion criteria provided. Collection method: clinical testing. Allele origin: germline. Not counted in ClinVar's aggregate classification.
Comment: This variant is classified as likely benign based on ACMG/AMP sequence variant interpretation guidelines (Richards et al. 2015 PMID: 25741868, with internal and published modifications).